The following is an entry in ClinVar:

NM_014363.6(SACS):c.9332del (p.Asn3111fs)

Gene: SACS (sacsin molecular chaperone; minus strand). Cytogenetic location: 13q12.12.
Variant type: Deletion.
Coding change: c.9332del on transcript NM_014363.6 (MANE Select); coding-DNA position 9332, one base deleted (A; older notation c.9332delA).
Protein change: p.Asn3111fs; shifts the reading frame from asparagine 3111.
Molecular consequence: frameshift variant.
Genome position (GRCh38, 1-based): chr13:23,334,544, T deleted on the plus strand (A on the coding strand, the reverse complement: SACS is on the minus strand); the first of 2 consecutive T bases (chr13:23,334,544-23,334,545); deleting either gives the same sequence. VCF-style (leftmost placement, unchanged base first): chr13-23334543-AT-A. GRCh37 (hg19) VCF-style: chr13-23908682-AT-A.
Other names: c.8891del, p.Asn2964fs (NM_001278055.2); short protein forms N2964fs, N3111fs.
Identifiers: ClinVar variation 994740 (VCV000994740.1), dbSNP rs1883705830, ClinGen allele CA1139663025.

ClinVar aggregate classification (germline): Pathogenic (1 of 4 stars; one submission).

Submission:

Athena Diagnostics
Classification: Pathogenic. Last evaluated: 2019-09-27. Review status: criteria provided, single submitter. Criteria: Athena Diagnostics Criteria. Collection method: clinical testing. Allele origin: unknown.
Comment: The variant results in a shift of the reading frame, and is therefore predicted to result in the loss of a functional protein. Found in at least one patient with expected phenotype for this gene, and not found in general population data.

Literature cited by the submitters: PubMed 23280630.